The following is an entry in ClinVar:

ClinVar aggregate classification (germline): Uncertain significance (1 of 4 stars; one submission).

Conditions:
Cardiovascular phenotype. Identifiers: MedGen CN230736.

Submission:

Ambry Genetics
Classification: Uncertain significance for Cardiovascular phenotype. Last evaluated: 2021-02-12. Review status: criteria provided, single submitter. Criteria: Ambry Variant Classification Scheme 2023. Collection method: clinical testing. Allele origin: germline.
Comment: The c.1175_1189del15 variant (also known as p.I392_V396del) is located in coding exon 9 of the SCN10A gene. This variant results from an in-frame TCTTGGCTGTAGTCA deletion at nucleotide positions 1175 to 1189. This results in the in-frame deletion of five amino acids (ILAVV) from codons 392 to 396. This amino acid region is highly conserved in available vertebrate species. In addition, this alteration is predicted to be deleterious by in silico analysis (Choi Y et al. PLoS ONE. 2012; 7(10):e46688). Since supporting evidence is limited at this time, the clinical significance of this alteration remains unclear.

NM_006514.4(SCN10A):c.1175_1189del (p.Ile392_Val396del)

Gene: SCN10A (sodium voltage-gated channel alpha subunit 10; minus strand). Cytogenetic location: 3p22.2.
Variant type: Deletion.
Coding change: c.1175_1189del on transcript NM_006514.4 (MANE Select); coding-DNA positions 1175 to 1189, 15 bases deleted (TCTTGGCTGTAGTCA).
Protein change: p.Ile392_Val396del.
Molecular consequence: inframe deletion.
Genome position (GRCh38, 1-based): chr3:38,756,775-38,756,789, TGACTACAGCCAAGA deleted on the plus strand (TCTTGGCTGTAGTCA on the coding strand, the reverse complement: SCN10A is on the minus strand); deleting any 15 consecutive bases within chr3:38,756,775-38,756,790 gives the same sequence; the c. name uses the placement nearest the transcript's 3' end. VCF-style (leftmost placement, unchanged base first): chr3-38756774-GTGACTACAGCCAAGA-G. GRCh37 (hg19) VCF-style: chr3-38798265-GTGACTACAGCCAAGA-G.
Other names: c.1175_1189del, p.Ile392_Val396del (NM_001293306.2, NM_001293307.2).
Identifiers: ClinVar variation 1740436 (VCV001740436.2), dbSNP rs2470791258, ClinGen allele CA2580069820.